The following is an entry in ClinVar:

NM_000501.4(ELN):c.134-10C>G

Gene: ELN (elastin; plus strand). Cytogenetic location: 7q11.23.
Variant type: single nucleotide variant.
Coding change: c.134-10C>G on transcript NM_000501.4 (MANE Select); 10 bases into the intron before coding-DNA position 134, C replaced by G.
Molecular consequence: intron variant.
Genome position (GRCh38, 1-based): chr7:74,036,545, C>G. VCF-style: chr7-74036545-C-G. GRCh37 (hg19) VCF-style: chr7-73450875-C-G.
Other names: c.134-10C>G (NM_001081754.3, NM_001081753.3, NM_001278939.2 and 5 more transcripts); c.133+1131C>G (NM_001278914.2, NM_001278917.2, NM_001081752.3 and 1 more transcripts).
Identifiers: ClinVar variation 910028 (VCV000910028.4), dbSNP rs782069123, ClinGen allele CA4292310.
Genomic context (GRCh38, chr7:74,036,545, plus strand): 5'-CTGGGGGTGGCAGCGGGCTTGCCTGGCAGAAGTACCGATGATCTCTCTTTCTCTTTCTCT[C>G]CCCCCACAGGGGCTGGTCTCGGAGCCCTTGGAGGAGGAGGTGAGCTCAGAAACCACACTT-3'

ClinVar aggregate classification (germline): Benign/Likely benign. Review status: criteria provided, single submitter (1 of 4 stars). 2 submissions from 1 submitter: Benign (1); Likely benign (1). Last evaluated 2018-01-13.

Conditions:
Supravalvar aortic stenosis (SVAS). Also called: Supravalvar aortic stenosis, Eisenberg type. Identifiers: Orphanet 3193, MedGen C0003499, MONDO:0008504, OMIM 185500, HP:0004381.
Cutis laxa, autosomal dominant 1 (ADCL1). Also called: ELN-Related Cutis Laxa. Identifiers: Orphanet 90348, MedGen C3276539, MONDO:0007411, OMIM 123700. Disease mechanism: Dominant Negative.

Allele frequency attached by ClinVar (database versions not stated): gnomAD exomes 0.00001; ExAC 0.00002.

Submissions (2):

Illumina Laboratory Services, Illumina
Classification: Benign for Cutis laxa, autosomal dominant 1. Last evaluated: 2018-01-13. Review status: criteria provided, single submitter. Criteria: ICSL Variant Classification Criteria 13 December 2019. Collection method: clinical testing. Allele origin: germline.
Comment: This variant was observed in the ICSL laboratory as part of a predisposition screen in an ostensibly healthy population. It had not been previously curated by ICSL or reported in the Human Gene Mutation Database (HGMD: prior to June 1st, 2018), and was therefore a candidate for classification through an automated scoring system. Utilizing variant allele frequency, disease prevalence and penetrance estimates, and inheritance mode, an automated score was calculated to assess if this variant is too frequent to cause the disease. Based on the score and internal cut-off values, a variant classified as benign is not then subjected to further curation. The score for this variant resulted in a classification of benign for this disease.

Illumina Laboratory Services, Illumina
Classification: Likely benign for Supravalvar aortic stenosis. Last evaluated: 2018-01-13. Review status: criteria provided, single submitter. Criteria: ICSL Variant Classification Criteria 13 December 2019. Collection method: clinical testing. Allele origin: germline.
Comment: This variant was observed in the ICSL laboratory as part of a predisposition screen in an ostensibly healthy population. It had not been previously curated by ICSL or reported in the Human Gene Mutation Database (HGMD: prior to June 1st, 2018), and was therefore a candidate for classification through an automated scoring system. Utilizing variant allele frequency, disease prevalence and penetrance estimates, and inheritance mode, an automated score was calculated to assess if this variant is too frequent to cause the disease. Based on the score and internal cut-off values, a variant classified as likely benign is not then subjected to further curation. The score for this variant resulted in a classification of likely benign for this disease.